The following is an entry in ClinVar:

NM_002929.3(GRK1):c.712_714del (p.Glu238del)

Gene: GRK1 (G protein-coupled receptor kinase 1; plus strand). Cytogenetic location: 13q34.
Variant type: Deletion.
Coding change: c.712_714del on transcript NM_002929.3 (MANE Select); coding-DNA positions 712 to 714, 3 bases deleted (GAG; older notation c.712_714delGAG).
Protein change: p.Glu238del; deletes glutamic acid 238.
Molecular consequence: inframe deletion.
Genome position (GRCh38, 1-based): chr13:113,669,699-113,669,701, GAG deleted; deleting any 3 consecutive bases within chr13:113,669,698-113,669,701 gives the same sequence; the c. name uses the placement nearest the transcript's 3' end. VCF-style (leftmost placement, unchanged base first): chr13-113669697-TGGA-T. GRCh37 (hg19) VCF-style: chr13-114324012-TGGA-T.
Other names: short protein forms E238del.
Identifiers: ClinVar variation 3370438 (VCV003370438.2).

ClinVar aggregate classification (germline): Likely pathogenic (1 of 4 stars; one submission).

Conditions:
Oguchi disease-2. Also called: NIGHT BLINDNESS, CONGENITAL STATIONARY, OGUCHI TYPE 2. Identifiers: Orphanet 75382, MedGen C3150678, MONDO:0013259, OMIM 613411.

Submission:

SN ONGC Dept of Genetics and Molecular biology Vision Research Foundation
Classification: Likely pathogenic for Oguchi disease-2. Last evaluated: 2024-11-02. Review status: criteria provided, single submitter. Criteria: ACMG Guidelines, 2015. Collection method: research. Allele origin: biparental. Inheritance: Autosomal recessive inheritance. Affected: yes. Observed: 1 homozygote.
Comment: The Glu238del variant in GRK1 has been reported in one Indian family in a homozygous state. The variant found to segregate in parents and also not identified in 100 control sample screened. The variant is already reported in GnomAD v4.1 (13-113669697-TGGA-T) dbSNP (rs759754749)